The following is an entry in ClinVar:

NM_001382391.1(CSPP1):c.2122A>C (p.Ser708Arg)

Gene: CSPP1 (centrosome and spindle pole associated protein 1; plus strand). Cytogenetic location: 8q13.2.
Variant type: single nucleotide variant.
Coding change: c.2122A>C on transcript NM_001382391.1 (MANE Select); coding-DNA position 2122, A replaced by C.
Protein change: p.Ser708Arg; replaces serine 708 with arginine.
Molecular consequence: missense variant. On other transcripts: intron variant (3).
Genome position (GRCh38, 1-based): chr8:67,149,929, A>C. VCF-style: chr8-67149929-A-C. GRCh37 (hg19) VCF-style: chr8-68062164-A-C.
Other names: c.2041A>C, p.Ser681Arg (NM_001363131.2); c.2188A>C, p.Ser730Arg (NM_001364869.1); c.2008A>C, p.Ser670Arg (NM_001364870.1); c.2107A>C, p.Ser703Arg (NM_024790.7); c.1934-4095A>C (NM_001363132.2); c.1853-4095A>C (NM_001363133.2); c.1079-4095A>C (NM_001291339.2); short protein forms S670R, S703R, S708R, S681R, S730R.
Identifiers: ClinVar variation 1988376 (VCV001988376.2), dbSNP rs201316149, ClinGen allele CA371186967.

ClinVar aggregate classification (germline): Uncertain significance (1 of 4 stars; one submission).

Conditions:
Joubert syndrome 21 (JBTS21). Identifiers: MedGen C3810212, MONDO:0014288, OMIM 615636.

gnomAD v4.1: 2 of 1,557,572 alleles (0.00013%); highest among the groups gnomAD compares: Non-Finnish European, 0.00017%; no homozygotes.

Submission:

Labcorp Genetics (formerly Invitae), Labcorp
Classification: Uncertain significance for Joubert syndrome 21. Last evaluated: 2022-03-27. Review status: criteria provided, single submitter. Criteria: Invitae Variant Classification Sherloc (09022015). Collection method: clinical testing. Allele origin: germline.
Comment: This variant has not been reported in the literature in individuals affected with CSPP1-related conditions. This variant is present in population databases (no rsID available, gnomAD 0.007%). This sequence change replaces serine, which is neutral and polar, with arginine, which is basic and polar, at codon 703 of the CSPP1 protein (p.Ser703Arg). Algorithms developed to predict the effect of missense changes on protein structure and function (SIFT, PolyPhen-2, Align-GVGD) all suggest that this variant is likely to be tolerated. In summary, the available evidence is currently insufficient to determine the role of this variant in disease. Therefore, it has been classified as a Variant of Uncertain Significance.